The following is an entry in ClinVar:

ClinVar aggregate classification (germline): Likely benign. Review status: criteria provided, single submitter (1 of 4 stars). 2 submissions from 2 submitters: Likely benign (1). 1 of the submissions does not count toward it. Last evaluated 2026-01-04.

Conditions:
PODXL-related disorder. Also called: PODXL-related condition.

Allele frequency attached by ClinVar (database versions not stated): gnomAD exomes 0.00016 and 0.00039; ExAC 0.00053; gnomAD 0.00148 and 0.00156; TOPMed 0.00169; ESP Exome Variant Server 0.00200; 1000 Genomes Project 30x 0.00219; 1000 Genomes Project 0.00220.
gnomAD v4.1: 486 of 1,614,198 alleles (0.03%); highest among the groups gnomAD compares: African/African-American, 0.51%; 6 homozygotes.

Submissions (2):

Labcorp Genetics (formerly Invitae), Labcorp
Classification: Likely benign. Last evaluated: 2026-01-04. Review status: criteria provided, single submitter. Criteria: Invitae Variant Classification Sherloc (09022015). Collection method: clinical testing. Allele origin: germline.

PreventionGenetics, part of Exact Sciences
Classification: Likely benign for PODXL-related condition. Last evaluated: 2019-06-18. Review status: no assertion criteria provided. Collection method: clinical testing. Allele origin: germline. Not counted in ClinVar's aggregate classification.
Comment: This variant is classified as likely benign based on ACMG/AMP sequence variant interpretation guidelines (Richards et al. 2015 PMID: 25741868, with internal and published modifications).

NM_001018111.3(PODXL):c.1276G>A (p.Glu426Lys)

Gene: PODXL (podocalyxin like; minus strand). Cytogenetic location: 7q32.3.
Variant type: single nucleotide variant.
Coding change: c.1276G>A on transcript NM_001018111.3 (MANE Select); coding-DNA position 1276, G replaced by A.
Protein change: p.Glu426Lys; replaces glutamic acid 426 with lysine.
Molecular consequence: missense variant.
Genome position (GRCh38, 1-based): chr7:131,506,295, C>T on the plus strand (G>A on the coding strand, the complement: PODXL is on the minus strand). VCF-style: chr7-131506295-C-T. GRCh37 (hg19) VCF-style: chr7-131191054-C-T.
Other names: c.1180G>A, p.Glu394Lys (NM_005397.4); short protein forms E394K, E426K.
Identifiers: ClinVar variation 726353 (VCV000726353.11), dbSNP rs145146486, ClinGen allele CA4488419.